The following is an entry in ClinVar:

ClinVar aggregate classification (germline): Uncertain significance (1 of 4 stars; one submission).

gnomAD v4.1: 5 of 1,555,250 alleles (0.00032%); highest among the groups gnomAD compares: East Asian, 0.0024%; no homozygotes.

Submission:

Labcorp Genetics (formerly Invitae), Labcorp
Classification: Uncertain significance. Last evaluated: 2024-11-22. Review status: criteria provided, single submitter. Criteria: Invitae Variant Classification Sherloc (09022015). Collection method: clinical testing. Allele origin: germline.
Comment: This sequence change replaces methionine, which is neutral and non-polar, with isoleucine, which is neutral and non-polar, at codon 487 of the HNF1B protein (p.Met487Ile). The frequency data for this variant in the population databases is considered unreliable, as metrics indicate poor data quality at this position in the gnomAD database. This variant has not been reported in the literature in individuals affected with HNF1B-related conditions. Invitae Evidence Modeling of protein sequence and biophysical properties (such as structural, functional, and spatial information, amino acid conservation, physicochemical variation, residue mobility, and thermodynamic stability) indicates that this missense variant is not expected to disrupt HNF1B protein function with a negative predictive value of 80%. In summary, the available evidence is currently insufficient to determine the role of this variant in disease. Therefore, it has been classified as a Variant of Uncertain Significance.

NM_000458.4(HNF1B):c.1461G>A (p.Met487Ile)

Gene: HNF1B (HNF1 homeobox B; minus strand). Cytogenetic location: 17q12.
Variant type: single nucleotide variant.
Coding change: c.1461G>A on transcript NM_000458.4 (MANE Select); coding-DNA position 1461, G replaced by A.
Protein change: p.Met487Ile; replaces methionine 487 with isoleucine.
Molecular consequence: missense variant. On other transcripts: intron variant (1).
Genome position (GRCh38, 1-based): chr17:37,701,056, C>T on the plus strand (G>A on the coding strand, the complement: HNF1B is on the minus strand). VCF-style: chr17-37701056-C-T. GRCh37 (hg19) VCF-style: chr17-36061061-C-T.
Other names: c.1383G>A, p.Met461Ile (NM_001165923.4); c.1461G>A, p.Met487Ile (NM_001411100.1); c.1261+3861G>A (NM_001304286.2); short protein forms M487I, M461I.
Identifiers: ClinVar variation 3669048 (VCV003669048.2).